The following is an entry in ClinVar:

NM_022124.6(CDH23):c.6709A>G (p.Thr2237Ala)

Gene: CDH23 (cadherin related 23; plus strand). Cytogenetic location: 10q22.1.
Variant type: single nucleotide variant.
Coding change: c.6709A>G on transcript NM_022124.6 (MANE Select); coding-DNA position 6709, A replaced by G.
Protein change: p.Thr2237Ala; replaces threonine 2237 with alanine.
Molecular consequence: missense variant.
Genome position (GRCh38, 1-based): chr10:71,793,637, A>G. VCF-style: chr10-71793637-A-G. GRCh37 (hg19) VCF-style: chr10-73553394-A-G.
Other names: c.6709A>G (NM_022124.5); short protein forms T2237A.
Identifiers: ClinVar variation 1439962 (VCV001439962.6), dbSNP rs769663561, ClinGen allele CA5546154.

ClinVar aggregate classification (germline): Uncertain significance. Review status: criteria provided, multiple submitters, no conflicts (2 of 4 stars). 3 submissions from 3 submitters: Uncertain significance (3). Last evaluated 2025-07-02.

Conditions:
Inborn genetic diseases. Identifiers: MedGen C0950123, MeSH D030342.

Allele frequency attached by ClinVar (database versions not stated): gnomAD 0.00001; gnomAD exomes 0.00001; ExAC 0.00002; TOPMed 0.00002.
gnomAD v4.1: 17 of 1,579,262 alleles (0.0011%); highest among the groups gnomAD compares: Non-Finnish European, 0.0015%; no homozygotes.

Submissions (3):

Ambry Genetics
Classification: Uncertain significance for Inborn genetic diseases. Last evaluated: 2025-07-02. Review status: criteria provided, single submitter. Criteria: Ambry Variant Classification Scheme 2023. Collection method: clinical testing. Allele origin: germline.

Blueprint Genetics
Classification: Uncertain significance. Last evaluated: 2022-08-30. Review status: criteria provided, single submitter. Criteria: ACMG Guidelines, 2015. Collection method: clinical testing. Allele origin: germline.

Labcorp Genetics (formerly Invitae), Labcorp
Classification: Uncertain significance. Last evaluated: 2022-06-05. Review status: criteria provided, single submitter. Criteria: Invitae Variant Classification Sherloc (09022015). Collection method: clinical testing. Allele origin: germline.
Comment: This sequence change replaces threonine, which is neutral and polar, with alanine, which is neutral and non-polar, at codon 2237 of the CDH23 protein (p.Thr2237Ala). This variant is present in population databases (rs769663561, gnomAD 0.002%). This variant has not been reported in the literature in individuals affected with CDH23-related conditions. ClinVar contains an entry for this variant (Variation ID: 1439962). Algorithms developed to predict the effect of missense changes on protein structure and function are either unavailable or do not agree on the potential impact of this missense change (SIFT: "Deleterious"; PolyPhen-2: "Not Available"; Align-GVGD: "Class C55"). In summary, the available evidence is currently insufficient to determine the role of this variant in disease. Therefore, it has been classified as a Variant of Uncertain Significance.